The following is an entry in ClinVar:

ClinVar aggregate classification (germline): Uncertain significance. Review status: criteria provided, multiple submitters, no conflicts (2 of 4 stars). 4 submissions from 4 submitters: Uncertain significance (4). Last evaluated 2026-09-18.

Conditions:
Cardiovascular phenotype. Identifiers: MedGen CN230736.
TTN-related disorder. Also called: TTN-related disorders; TTN-related condition; TTN-related disease.

Allele frequency attached by ClinVar (database versions not stated): gnomAD exomes 0.00001 and 0.00002; ExAC 0.00004; gnomAD 0.00004; TOPMed 0.00005.
gnomAD v4.1: 14 of 1,605,762 alleles (0.00087%); highest among the groups gnomAD compares: African/African-American, 0.015%; no homozygotes.

Submissions (4):

PreventionGenetics, part of Exact Sciences
Classification: Uncertain significance for TTN-related condition. Last evaluated: 2026-09-18. Review status: criteria provided, single submitter. Criteria: ACMG Guidelines, 2015. Collection method: clinical testing. Allele origin: germline.
Comment: The TTN c.99295G>C variant is predicted to result in the amino acid substitution p.Glu33099Gln. To our knowledge, this variant has not been reported in the literature. This variant is reported in 0.020% of alleles in individuals of African descent in gnomAD. At this time, the clinical significance of this variant is uncertain due to the absence of conclusive functional and genetic evidence.

Revvity Omics, Revvity
Classification: Uncertain significance. Last evaluated: 2023-01-17. Review status: criteria provided, single submitter. Criteria: ACMG Guidelines, 2015. Collection method: clinical testing. Allele origin: germline.

GeneDx
Classification: Uncertain significance. Last evaluated: 2020-06-24. Review status: criteria provided, single submitter. Criteria: GeneDx Variant Classification Process June 2021. Collection method: clinical testing. Allele origin: germline. Affected: yes.
Comment: Not observed at a significant frequency in large population cohorts (Lek et al., 2016); Missense variant in a gene in which most reported pathogenic variants are truncating/loss-of-function; Has not been previously published as pathogenic or benign to our knowledge

Ambry Genetics
Classification: Uncertain significance for Cardiovascular phenotype. Last evaluated: 2020-01-10. Review status: criteria provided, single submitter. Criteria: Ambry Variant Classification Scheme 2023. Collection method: clinical testing. Allele origin: germline.
Comment: The p.E24034Q variant (also known as c.72100G>C), located in coding exon 182 of the TTN gene, results from a G to C substitution at nucleotide position 72100. The glutamic acid at codon 24034 is replaced by glutamine, an amino acid with highly similar properties. This amino acid position is highly conserved in available vertebrate species. In addition, this alteration is predicted to be tolerated by in silico analysis. Since supporting evidence is limited at this time, the clinical significance of this alteration remains unclear.

NM_001267550.2(TTN):c.99295G>C (p.Glu33099Gln)

Genes: TTN (titin; minus strand), TTN-AS1 (TTN antisense RNA 1; plus strand). Cytogenetic location: 2q31.2.
Variant type: single nucleotide variant.
Coding change: c.99295G>C on transcript NM_001267550.2 (MANE Select); coding-DNA position 99295, G replaced by C.
Protein change: p.Glu33099Gln; replaces glutamic acid 33099 with glutamine.
Molecular consequence: missense variant.
Genome position (GRCh38, 1-based): chr2:178,537,912, C>G on the plus strand (G>C on the coding strand, the complement: TTN is on the minus strand). VCF-style: chr2-178537912-C-G. GRCh37 (hg19) VCF-style: chr2-179402639-C-G.
Other names: c.94372G>C, p.Glu31458Gln (NM_001256850.1); c.72100G>C, p.Glu24034Gln (NM_003319.4); c.91591G>C, p.Glu30531Gln (NM_133378.4); c.72475G>C, p.Glu24159Gln (NM_133432.3); c.72676G>C, p.Glu24226Gln (NM_133437.4); short protein forms E24034Q, E24159Q, E24226Q, E30531Q, E31458Q, E33099Q.
Identifiers: ClinVar variation 1312727 (VCV001312727.7), dbSNP rs754827854, ClinGen allele CA1986204.